The following is an entry in ClinVar:

ClinVar aggregate classification (germline): Likely pathogenic. Review status: criteria provided, multiple submitters, no conflicts (2 of 4 stars). 2 submissions from 2 submitters: Likely pathogenic (2). Last evaluated 2025-02-12.

Conditions:
Rienhoff syndrome. Also called: LOEYS-DIETZ SYNDROME 5. Identifiers: MedGen C3810012, MONDO:0014262, OMIM 615582.
Familial thoracic aortic aneurysm and aortic dissection (TAAD). Also called: Thoracic aortic aneurysms and dissections. Identifiers: Orphanet 91387, MedGen C4707243, MONDO:0019625.

Submissions (2):

Labcorp Genetics (formerly Invitae), Labcorp
Classification: Likely pathogenic for Rienhoff syndrome. Last evaluated: 2025-02-12. Review status: criteria provided, single submitter. Criteria: Invitae Variant Classification Sherloc (09022015). Collection method: clinical testing. Allele origin: germline.
Comment: This sequence change affects a donor splice site in intron 3 of the TGFB3 gene. It is expected to disrupt RNA splicing. Variants that disrupt the donor or acceptor splice site typically lead to a loss of protein function (PMID: 16199547), and loss-of-function variants in TGFB3 are known to be pathogenic (PMID: 25835445, 26188975). This variant is not present in population databases (gnomAD no frequency). This variant has not been reported in the literature in individuals affected with TGFB3-related conditions. Algorithms developed to predict the effect of sequence changes on RNA splicing suggest that this variant may disrupt the consensus splice site. In summary, the currently available evidence indicates that the variant is pathogenic, but additional data are needed to prove that conclusively. Therefore, this variant has been classified as Likely Pathogenic.

Ambry Genetics
Classification: Likely pathogenic for Familial thoracic aortic aneurysm and aortic dissection. Last evaluated: 2024-12-13. Review status: criteria provided, single submitter. Criteria: Ambry Variant Classification Scheme 2023. Collection method: clinical testing. Allele origin: germline.
Comment: The c.646+1G>C intronic variant results from a G to C substitution one nucleotide after coding exon 3 of the TGFB3 gene. This nucleotide position is highly conserved in available vertebrate species. In silico splice site analysis predicts that this alteration will weaken the native splice donor site and may result in the creation or strengthening of a novel splice donor site. This variant is considered to be rare based on population cohorts in the Genome Aggregation Database (gnomAD). Alterations that disrupt the canonical splice site are expected to cause aberrant splicing, resulting in an abnormal protein or a transcript that is subject to nonsense-mediated mRNA decay. As such, this alteration is classified as likely pathogenic.

Literature cited by the submitters: PubMed 16199547 (cited by Labcorp Genetics (formerly Invitae), Labcorp); PubMed 25835445 (cited by Labcorp Genetics (formerly Invitae), Labcorp); PubMed 26188975 (cited by Labcorp Genetics (formerly Invitae), Labcorp).

NM_003239.5(TGFB3):c.646+1G>C

Gene: TGFB3 (transforming growth factor beta 3; minus strand). Cytogenetic location: 14q24.3.
Variant type: single nucleotide variant.
Coding change: c.646+1G>C on transcript NM_003239.5 (MANE Select); the canonical splice donor site of the intron after coding-DNA position 646, G replaced by C.
Molecular consequence: splice donor variant.
Genome position (GRCh38, 1-based): chr14:75,971,125, C>G on the plus strand (G>C on the coding strand, the complement: TGFB3 is on the minus strand). VCF-style: chr14-75971125-C-G. GRCh37 (hg19) VCF-style: chr14-76437468-C-G.
Other names: c.646+1G>C (NM_001329939.2, NM_001329938.2, NM_003239.2).
Identifiers: ClinVar variation 3710693 (VCV003710693.3).
Genomic context (GRCh38, chr14:75,971,125, plus strand): 5'-TCATGGAGGACTAAGGGACCTGAGGTTCATTCTGAAATGCTTATCTGAAGGGTCCACCTA[C>G]CTCTTCTCAACAGCCACTCACGCACAGTGTCAGTGACATCAAAGGACAGCCACTCGGCAG-3'